The following is an entry in ClinVar:

NM_000202.8(IDS):c.1144G>T (p.Asp382Tyr)

Genes: IDS (iduronate 2-sulfatase; minus strand), LOC106050102 (IDS recombination region; plus strand). Cytogenetic location: Xq28.
Variant type: single nucleotide variant.
Coding change: c.1144G>T on transcript NM_000202.8 (MANE Select); coding-DNA position 1144, G replaced by T.
Protein change: p.Asp382Tyr; replaces aspartic acid 382 with tyrosine.
Molecular consequence: missense variant.
Genome position (GRCh38, 1-based): chrX:149,486,961, C>A on the plus strand (G>T on the coding strand, the complement: IDS is on the minus strand). VCF-style: chrX-149486961-C-A. GRCh37 (hg19) VCF-style: chrX-148568492-C-A.
Other names: c.874G>T, p.Asp292Tyr (NM_001166550.4); short protein forms D382Y, D292Y.
Identifiers: ClinVar variation 4745194 (VCV004745194.1).

ClinVar aggregate classification (germline): Uncertain significance (1 of 4 stars; one submission).

Conditions:
Mucopolysaccharidosis, MPS-II (MPS2). Also called: Attenuated MPS (subtype; formerly known as mild MPS II); Severe MPS II; I2S deficiency; MPS 2; Hunter Syndrome; IDURONATE 2-SULFATASE DEFICIENCY. Identifiers: Orphanet 580, Orphanet 79388, MedGen C0026705, MONDO:0010674, OMIM 309900.

Submission:

Labcorp Genetics (formerly Invitae), Labcorp
Classification: Uncertain significance for Mucopolysaccharidosis, MPS-II. Last evaluated: 2025-09-10. Review status: criteria provided, single submitter. Criteria: Invitae Variant Classification Sherloc (09022015). Collection method: clinical testing. Allele origin: germline.
Comment: This sequence change replaces aspartic acid, which is acidic and polar, with tyrosine, which is neutral and polar, at codon 382 of the IDS protein (p.Asp382Tyr). This variant is not present in population databases (gnomAD no frequency). This variant has not been reported in the literature in individuals affected with IDS-related conditions. Invitae Evidence Modeling of protein sequence and biophysical properties (such as structural, functional, and spatial information, amino acid conservation, physicochemical variation, residue mobility, and thermodynamic stability) indicates that this missense variant is not expected to disrupt IDS protein function with a negative predictive value of 95%. In summary, the available evidence is currently insufficient to determine the role of this variant in disease. Therefore, it has been classified as a Variant of Uncertain Significance.